The following is an entry in ClinVar:

NM_003105.6(SORL1):c.6282G>A (p.Thr2094=)

Gene: SORL1 (sortilin related receptor 1; plus strand). Cytogenetic location: 11q24.1.
Variant type: single nucleotide variant.
Coding change: c.6282G>A on transcript NM_003105.6 (MANE Select); coding-DNA position 6282, G replaced by A.
Protein change: p.Thr2094=; no amino-acid change (threonine 2094 retained).
Molecular consequence: synonymous variant.
Genome position (GRCh38, 1-based): chr11:121,625,195, G>A. VCF-style: chr11-121625195-G-A. GRCh37 (hg19) VCF-style: chr11-121495904-G-A.
Identifiers: ClinVar variation 777656 (VCV000777656.13), dbSNP rs112824025, ClinGen allele CA6330226.

ClinVar aggregate classification (germline): Benign. Review status: criteria provided, multiple submitters, no conflicts (2 of 4 stars). 3 submissions from 3 submitters: Benign (2). 1 of the submissions does not count toward it. Last evaluated 2025-12-26.

Conditions:
SORL1-related disorder. Also called: SORL1-related condition.

Allele frequency attached by ClinVar (database versions not stated): gnomAD 0.00769 and 0.00731; TOPMed 0.00791; ESP Exome Variant Server 0.00808; gnomAD exomes 0.00229; ExAC 0.00283; 1000 Genomes Project 0.00639; 1000 Genomes Project 30x 0.00703.
gnomAD v4.1: 2,602 of 1,613,980 alleles (0.16%); highest among the groups gnomAD compares: African/African-American, 2.5%; 32 homozygotes.

Submissions (3):

Labcorp Genetics (formerly Invitae), Labcorp
Classification: Benign. Last evaluated: 2025-12-26. Review status: criteria provided, single submitter. Criteria: Invitae Variant Classification Sherloc (09022015). Collection method: clinical testing. Allele origin: germline.

Breakthrough Genomics
Classification: Benign. Review status: criteria provided, single submitter. Criteria: ACMG Guidelines, 2015. Collection method: not provided. Allele origin: germline. Inheritance: Unknown mechanism. Affected: yes.

PreventionGenetics, part of Exact Sciences
Classification: Benign for SORL1-related condition. Last evaluated: 2019-07-16. Review status: no assertion criteria provided. Collection method: clinical testing. Allele origin: germline. Not counted in ClinVar's aggregate classification.
Comment: This variant is classified as benign based on ACMG/AMP sequence variant interpretation guidelines (Richards et al. 2015 PMID: 25741868, with internal and published modifications).